The following is an entry in ClinVar:

NM_031857.2(PCDHA9):c.2057C>A (p.Ala686Asp)

Genes: PCDHA5 (protocadherin alpha 5; plus strand), PCDHA4 (protocadherin alpha 4; plus strand), PCDHA6 (protocadherin alpha 6; plus strand), PCDHA1 (protocadherin alpha 1; plus strand), PCDHA2 (protocadherin alpha 2; plus strand) and 5 more. Cytogenetic location: 5q31.3.
Variant type: single nucleotide variant.
Coding change: c.2057C>A on transcript NM_031857.2 (MANE Select); coding-DNA position 2057, C replaced by A.
Protein change: p.Ala686Asp; replaces alanine 686 with aspartic acid.
Molecular consequence: missense variant. On other transcripts: intron variant (10).
Genome position (GRCh38, 1-based): chr5:140,850,552, C>A. VCF-style: chr5-140850552-C-A. GRCh37 (hg19) VCF-style: chr5-140230137-C-A.
Other names: c.2057C>A, p.Ala686Asp (NM_014005.5); c.2394+61868C>A (NM_018900.4); c.1602+62660C>A (NM_031411.3); c.2388+53200C>A (NM_018905.3); c.2394+46961C>A (NM_018906.3); c.2385+40980C>A (NM_018907.4); c.2352+26425C>A (NM_018908.3); c.2394+20067C>A (NM_018909.4); and 3 more; short protein forms A686D.
Identifiers: ClinVar variation 3033117 (VCV003033117.2), dbSNP rs112046100, ClinGen allele CA3450695.

ClinVar aggregate classification (germline): Likely benign (0 of 4 stars; one submission).

Conditions:
PCDHA9-related disorder. Also called: PCDHA9-related condition.

Allele frequency attached by ClinVar (database versions not stated): 1000 Genomes Project 30x 0.00968; TOPMed 0.00672; gnomAD 0.00617.
gnomAD v4.1: 1,841 of 1,598,232 alleles (0.12%); highest among the groups gnomAD compares: African/African-American, 2.1%; 121 homozygotes.

Submission:

PreventionGenetics, part of Exact Sciences
Classification: Likely benign for PCDHA9-related condition. Last evaluated: 2020-09-30. Review status: no assertion criteria provided. Collection method: clinical testing. Allele origin: germline.
Comment: This variant is classified as likely benign based on ACMG/AMP sequence variant interpretation guidelines (Richards et al. 2015 PMID: 25741868, with internal and published modifications).